The following is an entry in ClinVar:

ClinVar aggregate classification (germline): Uncertain significance (1 of 4 stars; one submission).

Submission:

Labcorp Genetics (formerly Invitae), Labcorp
Classification: Uncertain significance. Last evaluated: 2023-03-03. Review status: criteria provided, single submitter. Criteria: Invitae Variant Classification Sherloc (09022015). Collection method: clinical testing. Allele origin: germline.
Comment: In summary, the available evidence is currently insufficient to determine the role of this variant in disease. Therefore, it has been classified as a Variant of Uncertain Significance. Variants that disrupt the consensus splice site are a relatively common cause of aberrant splicing (PMID: 17576681, 9536098). Algorithms developed to predict the effect of sequence changes on RNA splicing suggest that this variant is not likely to affect RNA splicing. This variant has not been reported in the literature in individuals affected with COL4A2-related conditions. This variant is not present in population databases (gnomAD no frequency). This sequence change falls in intron 42 of the COL4A2 gene. It does not directly change the encoded amino acid sequence of the COL4A2 protein. It affects a nucleotide within the consensus splice site.

Literature cited by the submitters: PubMed 17576681; PubMed 9536098.

NM_001846.4(COL4A2):c.4039+6A>T

Genes: COL4A2 (collagen type IV alpha 2 chain; plus strand), COL4A2-AS1 (COL4A2 antisense RNA 1; minus strand). Cytogenetic location: 13q34.
Variant type: single nucleotide variant.
Coding change: c.4039+6A>T on transcript NM_001846.4 (MANE Select); 6 bases into the intron after coding-DNA position 4039, A replaced by T.
Molecular consequence: intron variant.
Genome position (GRCh38, 1-based): chr13:110,503,288, A>T. VCF-style: chr13-110503288-A-T. GRCh37 (hg19) VCF-style: chr13-111155635-A-T.
Identifiers: ClinVar variation 2871899 (VCV002871899.3), dbSNP rs2502204409, ClinGen allele CA2739277742.
Genomic context (GRCh38, chr13:110,503,288, plus strand): 5'-GGGGACTCCGGGCCCCAGGGCAGGCCTGGTGTGTTTGGTCTCCCAGGAGAAAAAGGTAAC[A>T]GTGCCCATGGCCATGGGCCAGCAGCCCTGGCCACAGTGAGAGGAGCCCCCTCCCCACAGA-3'